The following is an entry in ClinVar:

NM_001750.7(CAST):c.630+1G>T

Gene: CAST (calpastatin; plus strand). Cytogenetic location: 5q15.
Variant type: single nucleotide variant.
Coding change: c.630+1G>T on transcript NM_001750.7 (MANE Select); the canonical splice donor site of the intron after coding-DNA position 630, G replaced by T.
Molecular consequence: splice donor variant. On other transcripts: intron variant (1).
Genome position (GRCh38, 1-based): chr5:96,730,861, G>T. VCF-style: chr5-96730861-G-T. GRCh37 (hg19) VCF-style: chr5-96066565-G-T.
Other names: c.315+1G>T (NM_001423254.1, NM_001423259.1, NM_001423253.1 and 7 more transcripts); c.381+1G>T (NM_001423250.1, NM_001423251.1, NM_001423252.1 and 3 more transcripts); c.258+1G>T (NM_001423260.1, NM_001042444.3, NM_001284212.4 and 2 more transcripts); c.573+1G>T (NM_001042441.3, NM_001330626.2); c.564+1G>T (NM_001042442.3); c.507+1G>T (NM_001042440.5, NM_001330627.2); c.585+1G>T (NM_001330629.2); c.519+1G>T (NM_001375317.1); and 3 more.
Identifiers: ClinVar variation 4850437 (VCV004850437.1).

ClinVar aggregate classification (germline): Likely pathogenic (1 of 4 stars; one submission).

Conditions:
Peeling skin-leukonuchia-acral punctate keratoses-cheilitis-knuckle pads syndrome. Also called: Peeling skin with leukonychia, acral punctate keratoses, cheilitis, and knuckle pads. Identifiers: Orphanet 444138, MedGen C4225381, MONDO:0014574, OMIM 616295.

gnomAD v4.1: 1 of 1,609,738 alleles (0.000062%); highest among the groups gnomAD compares: South Asian, 0.0011%; no homozygotes.

Submission:

First Genomix Gene Laboratory, Genetic Diagnostics Department
Classification: Likely pathogenic for Peeling skin-leukonuchia-acral punctate keratoses-cheilitis-knuckle pads syndrome. Last evaluated: 2025-09-24. Review status: criteria provided, single submitter. Criteria: ACMG Guidelines, 2015. Collection method: clinical testing. Allele origin: germline. Inheritance: Autosomal recessive inheritance. Affected: no. Observed: 1 variant allele.